The following is an entry in ClinVar:

NM_001083116.3(PRF1):c.83G>A (p.Arg28His)

Gene: PRF1 (perforin 1; minus strand). Cytogenetic location: 10q22.1.
Variant type: single nucleotide variant.
Coding change: c.83G>A on transcript NM_001083116.3 (MANE Select); coding-DNA position 83, G replaced by A.
Protein change: p.Arg28His; replaces arginine 28 with histidine.
Molecular consequence: missense variant.
Genome position (GRCh38, 1-based): chr10:70,600,820, C>T on the plus strand (G>A on the coding strand, the complement: PRF1 is on the minus strand). VCF-style: chr10-70600820-C-T. GRCh37 (hg19) VCF-style: chr10-72360576-C-T.
Other names: c.83G>A, p.Arg28His (NM_005041.6); short protein forms R28H.
Identifiers: ClinVar variation 1038223 (VCV001038223.8), dbSNP rs1230053761, ClinGen allele CA376960133.

ClinVar aggregate classification (germline): Uncertain significance. Review status: criteria provided, multiple submitters, no conflicts (2 of 4 stars). 2 submissions from 2 submitters: Uncertain significance (2). Last evaluated 2026-01-05.

Conditions:
Familial hemophagocytic lymphohistiocytosis 2 (FHL2). Also called: PRF1-Related Familial Hemophagocytic Lymphohistiocytosis (PRF1-fHLH). Identifiers: Orphanet 540, MedGen C1863727, MONDO:0011337, OMIM 603553.
Aplastic anemia. Identifiers: Orphanet 182040, Orphanet 88, MedGen C0002874, MONDO:0015909, OMIM 609135, HP:0001915.
Lymphoma, non-Hodgkin, familial. Identifiers: MedGen C4721532, MONDO:0011508, OMIM 605027.

Allele frequency attached by ClinVar (database versions not stated): gnomAD 0.00001; gnomAD exomes 0.00001; TOPMed 0.00001.

Submissions (2):

Labcorp Genetics (formerly Invitae), Labcorp
Classification: Uncertain significance for Familial hemophagocytic lymphohistiocytosis 2. Last evaluated: 2026-01-05. Review status: criteria provided, single submitter. Criteria: Invitae Variant Classification Sherloc (09022015). Collection method: clinical testing. Allele origin: germline.
Comment: This sequence change replaces arginine, which is basic and polar, with histidine, which is basic and polar, at codon 28 of the PRF1 protein (p.Arg28His). The frequency data for this variant in the population databases is considered unreliable, as metrics indicate poor data quality at this position in the gnomAD database. This missense change has been observed in individual(s) with clinical features of hemophagocytic lymphohistiocytosis (PMID: 21674762). ClinVar contains an entry for this variant (Variation ID: 1038223). Invitae Evidence Modeling of protein sequence and biophysical properties (such as structural, functional, and spatial information, amino acid conservation, physicochemical variation, residue mobility, and thermodynamic stability) indicates that this missense variant is not expected to disrupt PRF1 protein function with a negative predictive value of 95%. In summary, the available evidence is currently insufficient to determine the role of this variant in disease. Therefore, it has been classified as a Variant of Uncertain Significance.

Fulgent Genetics
Classification: Uncertain significance for Familial hemophagocytic lymphohistiocytosis 2; Lymphoma, non-Hodgkin, familial; Aplastic anemia. Last evaluated: 2022-01-31. Review status: criteria provided, single submitter. Criteria: ACMG Guidelines, 2015. Collection method: clinical testing. Allele origin: unknown.

Literature cited by the submitters: PubMed 21674762 (cited by Labcorp Genetics (formerly Invitae), Labcorp).